The following is an entry in ClinVar:

NM_001034853.2(RPGR):c.352C>T (p.Gln118Ter)

Gene: RPGR (retinitis pigmentosa GTPase regulator; minus strand). Cytogenetic location: Xp11.4.
Variant type: single nucleotide variant.
Coding change: c.352C>T on transcript NM_001034853.2 (MANE Select); coding-DNA position 352, C replaced by T.
Protein change: p.Gln118Ter; replaces glutamine 118 with a stop codon.
Molecular consequence: nonsense. On other transcripts: non-coding transcript variant (6).
Genome position (GRCh38, 1-based): chrX:38,318,946, G>A on the plus strand (C>T on the coding strand, the complement: RPGR is on the minus strand). VCF-style: chrX-38318946-G-A. GRCh37 (hg19) VCF-style: chrX-38178199-G-A.
Other names: c.352C>T, p.Gln118Ter (NM_000328.3, NM_001367245.1, NM_001367246.1 and 3 more transcripts); c.382C>T, p.Gln128Ter (NM_001367248.1); c.349C>T, p.Gln117Ter (NM_001367249.1); short protein forms Q117*, Q118*, Q128*.
Identifiers: ClinVar variation 5038045 (VCV005038045.1).

ClinVar aggregate classification (germline): Pathogenic (3 of 4 stars; one submission).

Conditions:
RPGR-related retinopathy. Also called: RPGR retinopathy. Identifiers: MedGen CN305589, MONDO:0100437.

Submission:

ClinGen X-linked Inherited Retinal Disease Variant Curation Expert Panel, ClinGen
Classification: Pathogenic for RPGR-related retinopathy. Last evaluated: 2026-10-30. Review status: reviewed by expert panel. Criteria: ClinGen X LinkedIRD ACMG Specifications RPGR V1.0.0. Collection method: curation. Allele origin: germline. Inheritance: X-linked inheritance.
Comment: NM_001034853.2(RPGR):c.352C>T (p.Gln118Ter) is a nonsense variant introducing a premature stop codon in exon 5 of 15 that is predicted to trigger nonsense-mediated decay (PVS1). This variant is absent from hemizygous individuals in gnomAD v4.1.2 (PM2_Supporting). At least one proband harboring this variant exhibits a phenotype including night blindness (0.5 pts), family history consistent with X-linked inheritance, genetic testing by whole exome sequencing panel (2 pts), reduced visual acuity (0.5 pts), and delayed or milder phenotype in females (1 pt), which together are specific for RPGR-related retinopathy (4 points, PP4). The variant has been reported to segregate with retinal dystrophy through at least 2 affected meioses in 1 family. (PP1; PMID: 34745198). The relationship between the probands in both papers was not addressed. In summary, this variant is classified as Pathogenic for RPGR-related retinopathy based on the ClinGen X-linked Inherited Retinal Disease Expert Panel Specifications to the ACMG/AMP Variant Interpretation Guidelines for RPGR Version 1.0.0: PVS1, PM2_Supporting, PP4, and PP1.